The following is an entry in ClinVar:

NM_000069.3(CACNA1S):c.5215G>A (p.Ala1739Thr)

Gene: CACNA1S (calcium voltage-gated channel subunit alpha1 S; minus strand). Cytogenetic location: 1q32.1.
Variant type: single nucleotide variant.
Coding change: c.5215G>A on transcript NM_000069.3 (MANE Select); coding-DNA position 5215, G replaced by A.
Protein change: p.Ala1739Thr; replaces alanine 1739 with threonine.
Molecular consequence: missense variant.
Genome position (GRCh38, 1-based): chr1:201,040,633, C>T on the plus strand (G>A on the coding strand, the complement: CACNA1S is on the minus strand). VCF-style: chr1-201040633-C-T. GRCh37 (hg19) VCF-style: chr1-201009761-C-T.
Other names: c.5215G>A (NM_000069.2); short protein forms A1739T.
Identifiers: ClinVar variation 2924624 (VCV002924624.5), dbSNP rs542268566, ClinGen allele CA083760.

ClinVar aggregate classification (germline): Conflicting classifications of pathogenicity. Review status: criteria provided, conflicting classifications (1 of 4 stars). 3 submissions from 3 submitters: Uncertain significance (2); Likely benign (1). Last evaluated 2026-01-20.

Conditions:
Inborn genetic diseases. Identifiers: MedGen C0950123, MeSH D030342.
Malignant hyperthermia, susceptibility to, 5 (MHS5). Also called: CACNA1S-Related Malignant Hyperthermia Susceptibility. Identifiers: Orphanet 423, MedGen C1866077, MONDO:0011163, OMIM 601887.
Hypokalemic periodic paralysis, type 1. Also called: Hypokalemic Periodic Paralysis Type 1 (AD); HypoPP. Identifiers: Orphanet 681, MedGen C3714580, MONDO:0042979, OMIM 170400.

Allele frequency attached by ClinVar (database versions not stated): TOPMed below 0.00001; gnomAD 0.00001; 1000 Genomes Project 30x 0.00016; 1000 Genomes Project 0.00020.
gnomAD v4.1: 8 of 1,613,756 alleles (0.0005%); highest among the groups gnomAD compares: South Asian, 0.0066%; no homozygotes.

Submissions (3):

Women's Health and Genetics/Laboratory Corporation of America, LabCorp
Classification: Uncertain significance. Last evaluated: 2026-01-20. Review status: criteria provided, single submitter. Criteria: LabCorp Variant Classification Summary - May 2015. Collection method: clinical testing. Allele origin: germline.
Comment: Variant summary: CACNA1S c.5215G>A (p.Ala1739Thr) results in a non-conservative amino acid change in the encoded protein sequence. Algorithms developed to predict the effect of missense changes on protein structure and function are either unavailable or do not agree on the potential impact of this missense change. The variant allele was found at a frequency of 2e-05 in 251180 control chromosomes. The available data on variant occurrences in the general population are insufficient to allow any conclusion about variant significance. To our knowledge, no occurrence of c.5215G>A in individuals affected with CACNA1S-related conditions and no experimental evidence demonstrating its impact on protein function have been reported. ClinVar contains an entry for this variant (Variation ID: 2924624). Based on the evidence outlined above, the variant was classified as uncertain significance.

Ambry Genetics
Classification: Uncertain significance for Inborn genetic diseases. Last evaluated: 2024-05-29. Review status: criteria provided, single submitter. Criteria: Ambry Variant Classification Scheme 2023. Collection method: clinical testing. Allele origin: germline.

Labcorp Genetics (formerly Invitae), Labcorp
Classification: Likely benign for Hypokalemic periodic paralysis, type 1; Malignant hyperthermia, susceptibility to, 5. Last evaluated: 2023-10-14. Review status: criteria provided, single submitter. Criteria: Invitae Variant Classification Sherloc (09022015). Collection method: clinical testing. Allele origin: germline.